The following is an entry in ClinVar:

ClinVar aggregate classification (germline): Uncertain significance (1 of 4 stars; one submission).

Conditions:
TTC21B-related disorder. Also called: TTC21B-related disorders; TTC21B-related condition.

Submission:

PreventionGenetics, part of Exact Sciences
Classification: Uncertain significance for TTC21B-related condition. Last evaluated: 2026-03-03. Review status: criteria provided, single submitter. Criteria: ACMG Guidelines, 2015. Collection method: clinical testing. Allele origin: germline.
Comment: The TTC21B c.3544C>T variant is predicted to result in the amino acid substitution p.Arg1182Cys. To our knowledge, this variant has not been reported in the literature or in a large population database (gnomAD), indicating this variant is rare. At this time, the clinical significance of this variant is uncertain due to the absence of conclusive functional and genetic evidence.

NM_024753.5(TTC21B):c.3544C>T (p.Arg1182Cys)

Gene: TTC21B (tetratricopeptide repeat domain 21B; minus strand). Cytogenetic location: 2q24.3.
Variant type: single nucleotide variant.
Coding change: c.3544C>T on transcript NM_024753.5 (MANE Select); coding-DNA position 3544, C replaced by T.
Protein change: p.Arg1182Cys; replaces arginine 1182 with cysteine.
Molecular consequence: missense variant.
Genome position (GRCh38, 1-based): chr2:165,883,934, G>A on the plus strand (C>T on the coding strand, the complement: TTC21B is on the minus strand). VCF-style: chr2-165883934-G-A. GRCh37 (hg19) VCF-style: chr2-166740444-G-A.
Other names: short protein forms R1182C.
Identifiers: ClinVar variation 4988366 (VCV004988366.1).
Genomic context (GRCh38, chr2:165,883,934, plus strand): 5'-GCAGCCAACTCTTCTCAAACTCTTCAGCATCAATAGCATTCCAATTCATTTTCGCAATAC[G>A]CTTCAGCTGGTTTCTGGCTCGTGGAGTCTGTTTCAAGATCATATAAGCCGTTGCCATTCC-3'
Protein context (NP_079029.3, residues 1172-1192): QTPRARNQLK[Arg1182Cys]IAKMNWNAID